The following is an entry in ClinVar:

NM_000548.5(TSC2):c.1370C>A (p.Ser457Tyr)

Gene: TSC2 (TSC complex subunit 2; plus strand). Cytogenetic location: 16p13.3.
Variant type: single nucleotide variant.
Coding change: c.1370C>A on transcript NM_000548.5 (MANE Select); coding-DNA position 1370, C replaced by A.
Protein change: p.Ser457Tyr; replaces serine 457 with tyrosine.
Molecular consequence: missense variant.
Genome position (GRCh38, 1-based): chr16:2,062,980, C>A. VCF-style: chr16-2062980-C-A. GRCh37 (hg19) VCF-style: chr16-2112981-C-A.
Other names: c.1370C>A, p.Ser457Tyr (NM_001077183.3, NM_001114382.3, NM_001363528.2 and 3 more transcripts); c.1259C>A, p.Ser420Tyr (NM_001318827.2); c.1223C>A, p.Ser408Tyr (NM_001318829.2); c.770C>A, p.Ser257Tyr (NM_001318831.2); c.1403C>A, p.Ser468Tyr (NM_001318832.2); short protein forms S457Y, S257Y, S408Y, S420Y, S468Y.
Identifiers: ClinVar variation 467867 (VCV000467867.20), dbSNP rs1278503244, ClinGen allele CA394323620.

ClinVar aggregate classification (germline): Conflicting classifications of pathogenicity. Review status: criteria provided, conflicting classifications (1 of 4 stars). 5 submissions from 5 submitters: Uncertain significance (4); Benign (1). Last evaluated 2026-01-05.

Conditions:
Hereditary cancer-predisposing syndrome. Also called: Hereditary neoplastic syndrome; Neoplastic Syndromes, Hereditary; Tumor predisposition; Hereditary Cancer Syndrome. Identifiers: Orphanet 140162, MedGen C0027672, MeSH D009386, MONDO:0015356.
Tuberous sclerosis syndrome (TSC). Also called: Tuberous Sclerosis Complex; Tuberous sclerosis. Identifiers: Orphanet 805, MedGen C0041341, MONDO:0001734.
Tuberous sclerosis 2 (TSC2). Identifiers: Orphanet 805, MedGen C1860707, MONDO:0013199, OMIM 613254.

Allele frequency attached by ClinVar (database versions not stated): TOPMed below 0.00001; gnomAD exomes 0.00001.
gnomAD v4.1: 12 of 1,550,726 alleles (0.00077%); highest among the groups gnomAD compares: South Asian, 0.0012%; no homozygotes.

Submissions (5):

Labcorp Genetics (formerly Invitae), Labcorp
Classification: Benign for Tuberous sclerosis 2. Last evaluated: 2026-01-05. Review status: criteria provided, single submitter. Criteria: Invitae Variant Classification Sherloc (09022015). Collection method: clinical testing. Allele origin: germline.

Color Diagnostics, LLC DBA Color Health
Classification: Uncertain significance for Tuberous sclerosis syndrome. Last evaluated: 2025-09-11. Review status: criteria provided, single submitter. Criteria: ACMG Guidelines, 2015. Collection method: clinical testing. Allele origin: germline.
Comment: This missense variant replaces serine with tyrosine at codon 457 of the TSC2 protein. Computational prediction is inconclusive regarding the impact of this variant on protein structure and function. To our knowledge, functional studies have not been reported for this variant. This variant has not been reported in individuals affected with TSC2-related disorders in the literature. This variant has not been identified in the general population by the Genome Aggregation Database (gnomAD). The available evidence is insufficient to determine the role of this variant in disease conclusively. Therefore, this variant is classified as a Variant of Uncertain Significance.

Ambry Genetics
Classification: Uncertain significance for Hereditary cancer-predisposing syndrome. Last evaluated: 2024-09-20. Review status: criteria provided, single submitter. Criteria: Ambry Variant Classification Scheme 2023. Collection method: clinical testing. Allele origin: germline.
Comment: The p.S457Y variant (also known as c.1370C>A), located in coding exon 13 of the TSC2 gene, results from a C to A substitution at nucleotide position 1370. The serine at codon 457 is replaced by tyrosine, an amino acid with dissimilar properties. This amino acid position is not well conserved in available vertebrate species. In addition, the in silico prediction for this alteration is inconclusive. Based on the available evidence, the clinical significance of this variant remains unclear.

All of Us Research Program, National Institutes of Health
Classification: Uncertain significance for Tuberous sclerosis syndrome. Last evaluated: 2023-03-28. Review status: criteria provided, single submitter. Criteria: ACMG Guidelines, 2015. Collection method: clinical testing. Allele origin: germline. Inheritance: Autosomal dominant inheritance. Observed: 1 variant allele, 1 heterozygote.
Comment: This missense variant replaces serine with tyrosine at codon 457 of the TSC2 protein. Computational prediction is inconclusive regarding the impact of this variant on protein structure and function (internally defined REVEL score threshold 0.5 < inconclusive < 0.7, PMID: 27666373). To our knowledge, functional studies have not been reported for this variant. This variant has not been reported in individuals affected with tuberous sclerosis complex in the literature. This variant has not been identified in the general population by the Genome Aggregation Database (gnomAD). The available evidence is insufficient to determine the role of this variant in disease conclusively. Therefore, this variant is classified as a Variant of Uncertain Significance.

This study involves interpretation of variants in research participants for the purpose of population health screening. Participant phenotype was not available at the time of variant classification. Additional details can be found in publication PMID: 35346344, PMCID: PMC8962531

Genome-Nilou Lab
Classification: Uncertain significance for Tuberous sclerosis 2. Last evaluated: 2021-11-07. Review status: criteria provided, single submitter. Criteria: ACMG Guidelines, 2015. Collection method: clinical testing. Allele origin: germline. Affected: no.